The following is an entry in ClinVar:

ClinVar aggregate classification (germline): Uncertain significance. Review status: criteria provided, multiple submitters, no conflicts (2 of 4 stars). 2 submissions from 2 submitters: Uncertain significance (2). Last evaluated 2025-08-03.

Conditions:
CHARGE syndrome (CHARGE). Also called: Coloboma, heart anomaly, choanal atresia, retardation, genital and ear anomalies; CHARGE association; Hall-Hittner syndrome; Hittner Hirsch Kreh syndrome; CHARGE ASSOCIATION--COLOBOMA, HEART ANOMALY, CHOANAL ATRESIA, RETARDATION, GENITAL AND EAR ANOMALIES. Identifiers: Orphanet 138, MedGen C0265354, MONDO:0008965.
Inborn genetic diseases. Identifiers: MedGen C0950123, MeSH D030342.

Submissions (2):

Ambry Genetics
Classification: Uncertain significance for Inborn genetic diseases. Last evaluated: 2025-08-03. Review status: criteria provided, single submitter. Criteria: Ambry Variant Classification Scheme 2023. Collection method: clinical testing. Allele origin: germline.
Comment: The p.D2355E variant (also known as c.7065C>G), located in coding exon 32 of the CHD7 gene, results from a C to G substitution at nucleotide position 7065. The aspartic acid at codon 2355 is replaced by glutamic acid, an amino acid with highly similar properties. This amino acid position is conserved. In addition, this alteration is predicted to be tolerated by in silico analysis. Based on the available evidence, the clinical significance of this variant remains unclear.

Labcorp Genetics (formerly Invitae), Labcorp
Classification: Uncertain significance for CHARGE syndrome. Last evaluated: 2022-09-13. Review status: criteria provided, single submitter. Criteria: Invitae Variant Classification Sherloc (09022015). Collection method: clinical testing. Allele origin: germline.
Comment: This variant has not been reported in the literature in individuals affected with CHD7-related conditions. This variant is not present in population databases (gnomAD no frequency). This sequence change replaces aspartic acid, which is acidic and polar, with glutamic acid, which is acidic and polar, at codon 2355 of the CHD7 protein (p.Asp2355Glu). ClinVar contains an entry for this variant (Variation ID: 1497060). In summary, the available evidence is currently insufficient to determine the role of this variant in disease. Therefore, it has been classified as a Variant of Uncertain Significance. Advanced modeling of protein sequence and biophysical properties (such as structural, functional, and spatial information, amino acid conservation, physicochemical variation, residue mobility, and thermodynamic stability) performed at Invitae indicates that this missense variant is not expected to disrupt CHD7 protein function.

NM_017780.4(CHD7):c.7065C>G (p.Asp2355Glu)

Gene: CHD7 (chromodomain helicase DNA binding protein 7; plus strand). Cytogenetic location: 8q12.2.
Variant type: single nucleotide variant.
Coding change: c.7065C>G on transcript NM_017780.4 (MANE Select); coding-DNA position 7065, C replaced by G.
Protein change: p.Asp2355Glu; replaces aspartic acid 2355 with glutamic acid.
Molecular consequence: missense variant. On other transcripts: intron variant (1).
Genome position (GRCh38, 1-based): chr8:60,856,103, C>G. VCF-style: chr8-60856103-C-G. GRCh37 (hg19) VCF-style: chr8-61768662-C-G.
Other names: c.1717-6126C>G (NM_001316690.1); c.7065C>G (NM_017780.3); short protein forms D2355E.
Identifiers: ClinVar variation 1497060 (VCV001497060.9), dbSNP rs2129643081, ClinGen allele CA371298774.